The following is an entry in ClinVar:

NM_025137.4(SPG11):c.6628T>C (p.Cys2210Arg)

Gene: SPG11 (SPG11 vesicle trafficking associated, spatacsin; minus strand). Cytogenetic location: 15q21.1.
Variant type: single nucleotide variant.
Coding change: c.6628T>C on transcript NM_025137.4 (MANE Select); coding-DNA position 6628, T replaced by C.
Protein change: p.Cys2210Arg; replaces cysteine 2210 with arginine.
Molecular consequence: missense variant.
Genome position (GRCh38, 1-based): chr15:44,567,550, A>G on the plus strand (T>C on the coding strand, the complement: SPG11 is on the minus strand). VCF-style: chr15-44567550-A-G. GRCh37 (hg19) VCF-style: chr15-44859748-A-G.
Other names: c.6628T>C (NM_025137.3); c.6289T>C, p.Cys2097Arg (NM_001160227.2); short protein forms C2097R, C2210R.
Identifiers: ClinVar variation 1369755 (VCV001369755.5), dbSNP rs761830487, ClinGen allele CA7534058.

ClinVar aggregate classification (germline): Uncertain significance. Review status: criteria provided, multiple submitters, no conflicts (2 of 4 stars). 2 submissions from 2 submitters: Uncertain significance (2). Last evaluated 2024-05-30.

Conditions:
Hereditary spastic paraplegia 11. Also called: Spastic paraplegia, mental retardation and thin corpus callosum; Spastic Paraplegia 11; Nakamura Osame syndrome; Autosomal recessive hereditary spastic paraplegia, mental impairment, and thin corpus callosum; SPASTIC PARAPLEGIA, AUTOSOMAL RECESSIVE, COMPLICATED, WITH THIN CORPUS CALLOSUM; SPASTIC PARAPLEGIA, AUTOSOMAL RECESSIVE, WITH MENTAL IMPAIRMENT AND THIN CORPUS CALLOSUM. Identifiers: Orphanet 2822, MedGen C1858479, MONDO:0011445, OMIM 604360.
Inborn genetic diseases. Identifiers: MedGen C0950123, MeSH D030342.

Allele frequency attached by ClinVar (database versions not stated): ExAC 0.00001; gnomAD 0.00001; gnomAD exomes 0.00001; TOPMed 0.00001.
gnomAD v4.1: 9 of 1,613,898 alleles (0.00056%); highest among the groups gnomAD compares: Admixed American, 0.0067%; no homozygotes.

Submissions (2):

Ambry Genetics
Classification: Uncertain significance for Inborn genetic diseases. Last evaluated: 2024-05-30. Review status: criteria provided, single submitter. Criteria: Ambry Variant Classification Scheme 2023. Collection method: clinical testing. Allele origin: germline.

Labcorp Genetics (formerly Invitae), Labcorp
Classification: Uncertain significance for Hereditary spastic paraplegia 11. Last evaluated: 2023-12-11. Review status: criteria provided, single submitter. Criteria: Invitae Variant Classification Sherloc (09022015). Collection method: clinical testing. Allele origin: germline.
Comment: This sequence change replaces cysteine, which is neutral and slightly polar, with arginine, which is basic and polar, at codon 2210 of the SPG11 protein (p.Cys2210Arg). This variant is present in population databases (rs761830487, gnomAD 0.009%). This variant has not been reported in the literature in individuals affected with SPG11-related conditions. ClinVar contains an entry for this variant (Variation ID: 1369755). Advanced modeling of protein sequence and biophysical properties (such as structural, functional, and spatial information, amino acid conservation, physicochemical variation, residue mobility, and thermodynamic stability) performed at Invitae indicates that this missense variant is expected to disrupt SPG11 protein function with a positive predictive value of 80%. In summary, the available evidence is currently insufficient to determine the role of this variant in disease. Therefore, it has been classified as a Variant of Uncertain Significance.